The following is an entry in ClinVar:

NM_012330.4(KAT6B):c.1543T>A (p.Ser515Thr)

Gene: KAT6B (lysine acetyltransferase 6B; plus strand). Cytogenetic location: 10q22.2.
Variant type: single nucleotide variant.
Coding change: c.1543T>A on transcript NM_012330.4 (MANE Select); coding-DNA position 1543, T replaced by A.
Protein change: p.Ser515Thr; replaces serine 515 with threonine.
Molecular consequence: missense variant. On other transcripts: intron variant (13).
Genome position (GRCh38, 1-based): chr10:74,975,880, T>A. VCF-style: chr10-74975880-T-A. GRCh37 (hg19) VCF-style: chr10-76735638-T-A.
Other names: c.1543T>A, p.Ser515Thr (NM_001370136.1, NM_001370137.1); c.1117+426T>A (NM_001370139.1, NM_001370140.1, NM_001370141.1 and 3 more transcripts); c.1444+99T>A (NM_001370138.1, NM_001256468.2); c.846+6105T>A (NM_001370133.1); c.193-3344T>A (NM_001370134.1); c.929-1436T>A (NM_001370143.1, NM_001370144.1); c.193-13139T>A (NM_001370135.1); short protein forms S515T.
Identifiers: ClinVar variation 2891891 (VCV002891891.3), dbSNP rs772231278, ClinGen allele CA5564431.
Genomic context (GRCh38, chr10:74,975,880, plus strand): 5'-CCACCCCCAACCCCCATCTCCGGTCAGAGCCCCAGTTCACAAAAGTCCAGCACGGCCACT[T>A]CTTCTCCCTCTCCCCAGAGTTCTTCCAGCCAGTGCAGTGTGCCCTCCCTGAGCAGCCTTA-3'
Protein context (NP_036462.2, residues 505-525): PSSQKSSTAT[Ser515Thr]SPSPQSSSSQ

ClinVar aggregate classification (germline): Uncertain significance (1 of 4 stars; one submission).

Conditions:
Genitopatellar syndrome (GTPTS). Also called: Genitopatellar syndrome (GPS); ABSENT PATELLAE, SCROTAL HYPOPLASIA, RENAL ANOMALIES, FACIAL DYSMORPHISM, AND MENTAL RETARDATION. Identifiers: Orphanet 85201, MedGen C1853566, MONDO:0011640, OMIM 606170.

Allele frequency attached by ClinVar (database versions not stated): gnomAD exomes below 0.00001; ExAC 0.00001.

Submission:

Labcorp Genetics (formerly Invitae), Labcorp
Classification: Uncertain significance for Genitopatellar syndrome. Last evaluated: 2023-01-30. Review status: criteria provided, single submitter. Criteria: Invitae Variant Classification Sherloc (09022015). Collection method: clinical testing. Allele origin: germline.
Comment: Algorithms developed to predict the effect of missense changes on protein structure and function (SIFT, PolyPhen-2, Align-GVGD) all suggest that this variant is likely to be tolerated. This sequence change replaces serine, which is neutral and polar, with threonine, which is neutral and polar, at codon 515 of the KAT6B protein (p.Ser515Thr). This variant is present in population databases (rs772231278, gnomAD 0.0009%). This variant has not been reported in the literature in individuals affected with KAT6B-related conditions. In summary, the available evidence is currently insufficient to determine the role of this variant in disease. Therefore, it has been classified as a Variant of Uncertain Significance.